The following is an entry in ClinVar:

NM_016333.4(SRRM2):c.909C>G (p.Arg303=)

Gene: SRRM2 (serine/arginine repetitive matrix 2; plus strand). Cytogenetic location: 16p13.3.
Variant type: single nucleotide variant.
Coding change: c.909C>G on transcript NM_016333.4 (MANE Select); coding-DNA position 909, C replaced by G.
Protein change: p.Arg303=; no amino-acid change (arginine 303 retained).
Molecular consequence: synonymous variant.
Genome position (GRCh38, 1-based): chr16:2,760,376, C>G. VCF-style: chr16-2760376-C-G. GRCh37 (hg19) VCF-style: chr16-2810377-C-G.
Identifiers: ClinVar variation 4681432 (VCV004681432.5).

ClinVar aggregate classification (germline): Likely benign (1 of 4 stars; one submission).

gnomAD v4.1: 139 of 1,613,948 alleles (0.0086%); highest among the groups gnomAD compares: Admixed American, 0.0083%; no homozygotes.

Submission:

CeGaT Center for Human Genetics Tuebingen
Classification: Likely benign. Last evaluated: 2025-12-01. Review status: criteria provided, single submitter. Criteria: CeGaT Center For Human Genetics Tuebingen Variant Classification Criteria Version 2. Collection method: clinical testing. Allele origin: germline. Affected: yes. Observed: 1 variant allele.
Comment: SRRM2: BP4, BP7